The following is an entry in ClinVar:

ClinVar aggregate classification (germline): Uncertain significance. Review status: criteria provided, multiple submitters, no conflicts (2 of 4 stars). 2 submissions from 2 submitters: Uncertain significance (2). Last evaluated 2025-07-09.

Conditions:
Tuberous sclerosis 2 (TSC2). Identifiers: Orphanet 805, MedGen C1860707, MONDO:0013199, OMIM 613254.
Hereditary cancer-predisposing syndrome. Also called: Hereditary Cancer Syndrome; Tumor predisposition; Neoplastic Syndromes, Hereditary; Hereditary neoplastic syndrome. Identifiers: Orphanet 140162, MedGen C0027672, MeSH D009386, MONDO:0015356.

gnomAD v4.1: 3 of 1,613,568 alleles (0.00019%); highest among the groups gnomAD compares: South Asian, 0.0011%; no homozygotes.

Submissions (2):

Ambry Genetics
Classification: Uncertain significance for Hereditary cancer-predisposing syndrome. Last evaluated: 2025-07-09. Review status: criteria provided, single submitter. Criteria: Ambry Variant Classification Scheme 2023. Collection method: clinical testing. Allele origin: germline.
Comment: The p.R628L variant (also known as c.1883G>T), located in coding exon 17 of the TSC2 gene, results from a G to T substitution at nucleotide position 1883. The arginine at codon 628 is replaced by leucine, an amino acid with dissimilar properties. This amino acid position is highly conserved in available vertebrate species. In addition, this alteration is predicted to be deleterious by in silico analysis. Based on the available evidence, the clinical significance of this variant remains unclear.

Labcorp Genetics (formerly Invitae), Labcorp
Classification: Uncertain significance for Tuberous sclerosis 2. Last evaluated: 2025-05-05. Review status: criteria provided, single submitter. Criteria: Invitae Variant Classification Sherloc (09022015). Collection method: clinical testing. Allele origin: germline.
Comment: This sequence change replaces arginine, which is basic and polar, with leucine, which is neutral and non-polar, at codon 628 of the TSC2 protein (p.Arg628Leu). This variant is not present in population databases (gnomAD no frequency). This variant has not been reported in the literature in individuals affected with TSC2-related conditions. ClinVar contains an entry for this variant (Variation ID: 2902653). Invitae Evidence Modeling of protein sequence and biophysical properties (such as structural, functional, and spatial information, amino acid conservation, physicochemical variation, residue mobility, and thermodynamic stability) indicates that this missense variant is not expected to disrupt TSC2 protein function with a negative predictive value of 95%. In summary, the available evidence is currently insufficient to determine the role of this variant in disease. Therefore, it has been classified as a Variant of Uncertain Significance.

NM_000548.5(TSC2):c.1883G>T (p.Arg628Leu)

Gene: TSC2 (TSC complex subunit 2; plus strand). Cytogenetic location: 16p13.3.
Variant type: single nucleotide variant.
Coding change: c.1883G>T on transcript NM_000548.5 (MANE Select); coding-DNA position 1883, G replaced by T.
Protein change: p.Arg628Leu; replaces arginine 628 with leucine.
Molecular consequence: missense variant. On other transcripts: non-coding transcript variant (5).
Genome position (GRCh38, 1-based): chr16:2,071,553, G>T. VCF-style: chr16-2071553-G-T. GRCh37 (hg19) VCF-style: chr16-2121554-G-T.
Other names: c.1883G>T, p.Arg628Leu (NM_001406663.1, NM_001406664.1, NM_001406665.1 and 6 more transcripts); c.1973G>T, p.Arg658Leu (NM_001406667.1, NM_001406668.1); c.1772G>T, p.Arg591Leu (NM_001406670.1, NM_001406678.1, NM_001318827.2); c.1871G>T, p.Arg624Leu (NM_001406671.1, NM_001406673.1); c.1736G>T, p.Arg579Leu (NM_001406675.1, NM_001406676.1, NM_001406679.1 and 1 more transcripts); c.1826G>T, p.Arg609Leu (NM_001406677.1); c.539G>T, p.Arg180Leu (NM_001406690.1, NM_001406691.1, NM_001406692.1 and 6 more transcripts); c.281G>T, p.Arg94Leu (NM_001406698.1); and 3 more; short protein forms R428L, R591L, R624L, R180L, R474L, R628L, R658L, R94L.
Identifiers: ClinVar variation 2902653 (VCV002902653.4), dbSNP rs774895427, ClinGen allele CA394273115.
Genomic context (GRCh38, chr16:2,071,553, plus strand): 5'-CATCCTCTTCCTGACAGGCCTTTGACTTCCTGTTGCTGCTGCGGGCCGACTCACTGCACC[G>T]CCTGGGCCTGCCCAACAAGGATGGAGTCGTGCGGTTCAGCCCCTACTGCGTCTGCGACTA-3'
Protein context (NP_000539.2, residues 618-638): LLLLRADSLH[Arg628Leu]LGLPNKDGVV